The following is an entry in ClinVar:

ClinVar aggregate classification (germline): Uncertain significance (1 of 4 stars; one submission).

Conditions:
Charcot-Marie-Tooth disease type 2. Also called: Charcot-Marie-Tooth type 2. Identifiers: Orphanet 64746, MedGen C0270914, MONDO:0018993.

Submission:

Labcorp Genetics (formerly Invitae), Labcorp
Classification: Uncertain significance for Charcot-Marie-Tooth disease type 2. Last evaluated: 2024-01-11. Review status: criteria provided, single submitter. Criteria: Invitae Variant Classification Sherloc (09022015). Collection method: clinical testing. Allele origin: germline.
Comment: This sequence change replaces serine, which is neutral and polar, with glycine, which is neutral and non-polar, at codon 212 of the LMNA protein (p.Ser212Gly). This variant is not present in population databases (gnomAD no frequency). This variant has not been reported in the literature in individuals affected with LMNA-related conditions. ClinVar contains an entry for this variant (Variation ID: 2129101). Advanced modeling of protein sequence and biophysical properties (such as structural, functional, and spatial information, amino acid conservation, physicochemical variation, residue mobility, and thermodynamic stability) performed at Invitae indicates that this missense variant is expected to disrupt LMNA protein function with a positive predictive value of 95%. Algorithms developed to predict the effect of sequence changes on RNA splicing suggest that this variant may disrupt the consensus splice site. In summary, the available evidence is currently insufficient to determine the role of this variant in disease. Therefore, it has been classified as a Variant of Uncertain Significance.

NM_170707.4(LMNA):c.634A>G (p.Ser212Gly)

Gene: LMNA (lamin A/C; plus strand). Cytogenetic location: 1q22.
Variant type: single nucleotide variant.
Coding change: c.634A>G on transcript NM_170707.4 (MANE Select); coding-DNA position 634, A replaced by G.
Protein change: p.Ser212Gly; replaces serine 212 with glycine.
Molecular consequence: missense variant.
Genome position (GRCh38, 1-based): chr1:156,134,523, A>G. VCF-style: chr1-156134523-A-G. GRCh37 (hg19) VCF-style: chr1-156104314-A-G.
Other names: c.298A>G, p.Ser100Gly (NM_001257374.3, NM_001406989.1, NM_001406998.1); c.391A>G, p.Ser131Gly (NM_001282624.2, NM_001406986.1, NM_001406987.1); c.634A>G, p.Ser212Gly (NM_001282625.2, NM_001282626.2, NM_001406983.1 and 6 more transcripts); c.337A>G, p.Ser113Gly (NM_001406988.1); c.76A>G, p.Ser26Gly (NM_001406990.1, NM_001406993.1, NM_001406995.1 and 4 more transcripts); c.-31A>G (NM_001406994.1, NM_001406999.1, NM_001407000.1 and 1 more transcripts); short protein forms S113G, S100G, S131G, S212G, S26G.
Identifiers: ClinVar variation 2129101 (VCV002129101.4), dbSNP rs2527968725, ClinGen allele CA342817088.